The following is an entry in ClinVar:

NM_002109.6(HARS1):c.355G>T (p.Asp119Tyr)

Gene: HARS1 (histidyl-tRNA synthetase 1; minus strand). Cytogenetic location: 5q31.3.
Variant type: single nucleotide variant.
Coding change: c.355G>T on transcript NM_002109.6 (MANE Select); coding-DNA position 355, G replaced by T.
Protein change: p.Asp119Tyr; replaces aspartic acid 119 with tyrosine.
Molecular consequence: missense variant. On other transcripts: intron variant (2).
Genome position (GRCh38, 1-based): chr5:140,679,829, C>A on the plus strand (G>T on the coding strand, the complement: HARS1 is on the minus strand). VCF-style: chr5-140679829-C-A. GRCh37 (hg19) VCF-style: chr5-140059414-C-A.
Other names: c.235G>T, p.Asp79Tyr (NM_001258040.3, NM_001258042.3); c.355G>T, p.Asp119Tyr (NM_001258041.3); c.268G>T, p.Asp90Tyr (NM_001289094.2); c.181-1814G>T (NM_001289093.2); c.301-1814G>T (NM_001289092.2); short protein forms D90Y, D119Y, D79Y.
Identifiers: ClinVar variation 959706 (VCV000959706.9), dbSNP rs1758612647, ClinGen allele CA361257767.

ClinVar aggregate classification (germline): Uncertain significance (1 of 4 stars; one submission).

Conditions:
Usher syndrome type 3B. Also called: USHER SYNDROME, TYPE IIIB. Identifiers: MedGen C3281066, MONDO:0013788, OMIM 614504.

Submission:

Labcorp Genetics (formerly Invitae), Labcorp
Classification: Uncertain significance for Usher syndrome type 3B. Last evaluated: 2019-11-01. Review status: criteria provided, single submitter. Criteria: Invitae Variant Classification Sherloc (09022015). Collection method: clinical testing. Allele origin: germline.
Comment: This sequence change replaces aspartic acid with tyrosine at codon 119 of the HARS protein (p.Asp119Tyr). The aspartic acid residue is moderately conserved and there is a large physicochemical difference between aspartic acid and tyrosine. This variant is not present in population databases (ExAC no frequency). This variant has not been reported in the literature in individuals with HARS-related conditions. Algorithms developed to predict the effect of missense changes on protein structure and function are either unavailable or do not agree on the potential impact of this missense change (SIFT: "Deleterious"; PolyPhen-2: "Probably Damaging"; Align-GVGD: "Class C0"). In summary, the available evidence is currently insufficient to determine the role of this variant in disease. Therefore, it has been classified as a Variant of Uncertain Significance.